The following is an entry in ClinVar:

NM_005618.4(DLL1):c.1878C>T (p.Ser626=)

Gene: DLL1 (delta like canonical Notch ligand 1; minus strand). Cytogenetic location: 6q27.
Variant type: single nucleotide variant.
Coding change: c.1878C>T on transcript NM_005618.4 (MANE Select); coding-DNA position 1878, C replaced by T.
Protein change: p.Ser626=; no amino-acid change (serine 626 retained).
Molecular consequence: synonymous variant.
Genome position (GRCh38, 1-based): chr6:170,283,401, G>A on the plus strand (C>T on the coding strand, the complement: DLL1 is on the minus strand). VCF-style: chr6-170283401-G-A. GRCh37 (hg19) VCF-style: chr6-170592489-G-A.
Other names: c.1878C>T (NM_005618.3).
Identifiers: ClinVar variation 2729382 (VCV002729382.5), dbSNP rs371424957, ClinGen allele CA4106697.

ClinVar aggregate classification (germline): Likely benign. Review status: criteria provided, single submitter (1 of 4 stars). 2 submissions from 2 submitters: Likely benign (1). 1 of the submissions does not count toward it. Last evaluated 2023-05-31.

Conditions:
DLL1-related disorder. Also called: DLL1-related condition.

Allele frequency attached by ClinVar (database versions not stated): ExAC 0.00003; ESP Exome Variant Server 0.00008; gnomAD 0.00008; 1000 Genomes Project 30x 0.00016.

Submissions (2):

Labcorp Genetics (formerly Invitae), Labcorp
Classification: Likely benign. Last evaluated: 2023-05-31. Review status: criteria provided, single submitter. Criteria: Invitae Variant Classification Sherloc (09022015). Collection method: clinical testing. Allele origin: germline.

PreventionGenetics, part of Exact Sciences
Classification: Likely benign for DLL1-related condition. Last evaluated: 2021-09-24. Review status: no assertion criteria provided. Collection method: clinical testing. Allele origin: germline. Not counted in ClinVar's aggregate classification.
Comment: This variant is classified as likely benign based on ACMG/AMP sequence variant interpretation guidelines (Richards et al. 2015 PMID: 25741868, with internal and published modifications).